The following is an entry in ClinVar:

ClinVar aggregate classification (germline): Uncertain significance. Review status: criteria provided, multiple submitters, no conflicts (2 of 4 stars). 3 submissions from 3 submitters: Uncertain significance (3). Last evaluated 2023-05-19.

Conditions:
Familial cancer of breast. Also called: BREAST CANCER, FAMILIAL; Hereditary breast cancer; hereditary breast carcinoma. Identifiers: Orphanet 227535, MedGen C0346153, MONDO:0016419, OMIM 114480. Disease mechanism: loss of function.
Hereditary cancer-predisposing syndrome. Also called: Tumor predisposition; Hereditary Cancer Syndrome; Hereditary neoplastic syndrome; Neoplastic Syndromes, Hereditary. Identifiers: Orphanet 140162, MedGen C0027672, MeSH D009386, MONDO:0015356.

Submissions (3):

Ambry Genetics
Classification: Uncertain significance for Hereditary cancer-predisposing syndrome. Last evaluated: 2023-05-19. Review status: criteria provided, single submitter. Criteria: Ambry Variant Classification Scheme 2023. Collection method: clinical testing. Allele origin: germline.
Comment: The p.A257V variant (also known as c.770C>T), located in coding exon 5 of the CHEK2 gene, results from a C to T substitution at nucleotide position 770. The alanine at codon 257 is replaced by valine, an amino acid with similar properties. This amino acid position is conserved. In addition, the in silico prediction for this alteration is inconclusive. Since supporting evidence is limited at this time, the clinical significance of this alteration remains unclear.

ARUP Laboratories, Molecular Genetics and Genomics, ARUP Laboratories
Classification: Uncertain significance. Last evaluated: 2023-03-18. Review status: criteria provided, single submitter. Criteria: ARUP Molecular Germline Variant Investigation Process 2024. Collection method: clinical testing. Allele origin: germline.
Comment: The CHEK2 c.770C>T: p.Ala257Val variant (rs1060502717), to our knowledge, is not reported in the medical literature but is reported in ClinVar (Variation ID: 410057). This variant is absent from the Genome Aggregation Database, indicating it is not a common polymorphism. Computational analyses predict that this variant is neutral (REVEL: 0.129). Due to limited information, the clinical significance of this variant is uncertain at this time.

Labcorp Genetics (formerly Invitae), Labcorp
Classification: Uncertain significance for Familial cancer of breast. Last evaluated: 2022-02-20. Review status: criteria provided, single submitter. Criteria: Invitae Variant Classification Sherloc (09022015). Collection method: clinical testing. Allele origin: germline.
Comment: This sequence change replaces alanine, which is neutral and non-polar, with valine, which is neutral and non-polar, at codon 257 of the CHEK2 protein (p.Ala257Val). In summary, the available evidence is currently insufficient to determine the role of this variant in disease. Therefore, it has been classified as a Variant of Uncertain Significance. Algorithms developed to predict the effect of missense changes on protein structure and function (SIFT, PolyPhen-2, Align-GVGD) all suggest that this variant is likely to be tolerated. ClinVar contains an entry for this variant (Variation ID: 410057). This variant has not been reported in the literature in individuals affected with CHEK2-related conditions. This variant is not present in population databases (gnomAD no frequency).

NM_007194.4(CHEK2):c.770C>T (p.Ala257Val)

Gene: CHEK2 (checkpoint kinase 2; minus strand). Cytogenetic location: 22q12.1.
Variant type: single nucleotide variant.
Coding change: c.770C>T on transcript NM_007194.4 (MANE Select); coding-DNA position 770, C replaced by T.
Protein change: p.Ala257Val; replaces alanine 257 with valine.
Molecular consequence: missense variant.
Genome position (GRCh38, 1-based): chr22:28,711,931, G>A on the plus strand (C>T on the coding strand, the complement: CHEK2 is on the minus strand). VCF-style: chr22-28711931-G-A. GRCh37 (hg19) VCF-style: chr22-29107919-G-A.
Other names: c.899C>T, p.Ala300Val (NM_001005735.3); c.107C>T, p.Ala36Val (NM_001257387.3); c.569C>T, p.Ala190Val (NM_001349956.3); c.770C>T, p.Ala257Val (NM_145862.3); short protein forms A257V, A190V, A300V, A36V.
Identifiers: ClinVar variation 410057 (VCV000410057.11), dbSNP rs1060502717, ClinGen allele CA16616562.